The following is an entry in ClinVar:

ClinVar aggregate classification (germline): Uncertain significance (1 of 4 stars; one submission).

Allele frequency attached by ClinVar (database versions not stated): gnomAD exomes below 0.00001; gnomAD 0.00001.
gnomAD v4.1: 4 of 1,614,014 alleles (0.00025%); highest among the groups gnomAD compares: Non-Finnish European, 0.00034%; no homozygotes.

Submission:

Labcorp Genetics (formerly Invitae), Labcorp
Classification: Uncertain significance. Last evaluated: 2023-11-28. Review status: criteria provided, single submitter. Criteria: Invitae Variant Classification Sherloc (09022015). Collection method: clinical testing. Allele origin: germline.
Comment: This sequence change replaces serine, which is neutral and polar, with asparagine, which is neutral and polar, at codon 982 of the ERBIN protein (p.Ser982Asn). This variant is present in population databases (no rsID available, gnomAD 0.007%). This variant has not been reported in the literature in individuals affected with ERBIN-related conditions. ClinVar contains an entry for this variant (Variation ID: 2125929). An algorithm developed to predict the effect of missense changes on protein structure and function (PolyPhen-2) suggests that this variant is likely to be disruptive. In summary, the available evidence is currently insufficient to determine the role of this variant in disease. Therefore, it has been classified as a Variant of Uncertain Significance.

NM_001253697.2(ERBIN):c.2945G>A (p.Ser982Asn)

Gene: ERBIN (erbb2 interacting protein; plus strand). Cytogenetic location: 5q12.3.
Variant type: single nucleotide variant.
Coding change: c.2945G>A on transcript NM_001253697.2 (MANE Select); coding-DNA position 2945, G replaced by A.
Protein change: p.Ser982Asn; replaces serine 982 with asparagine.
Molecular consequence: missense variant.
Genome position (GRCh38, 1-based): chr5:66,054,263, G>A. VCF-style: chr5-66054263-G-A. GRCh37 (hg19) VCF-style: chr5-65350091-G-A.
Other names: c.2945G>A, p.Ser982Asn (NM_001006600.3, NM_001253698.2, NM_001253699.2 and 1 more transcripts); c.2933G>A, p.Ser978Asn (NM_001253701.2); short protein forms S978N, S982N.
Identifiers: ClinVar variation 2125929 (VCV002125929.4), dbSNP rs1349284089, ClinGen allele CA359868275.